The following is an entry in ClinVar:

FBN1:c.3589+62_3589+71del

Gene: FBN1 (fibrillin 1; minus strand). Cytogenetic location: 15q21.1.
Variant type: Microsatellite.
Molecular consequence: intron variant (on NM_000138.5).
Genome position: GRCh38 VCF-style: chr15-48487003-AATAACATAAC-A. GRCh37 (hg19) VCF-style: chr15-48779200-AATAACATAAC-A.
Other names: c.3589+52GTTAT[2] (NM_000138.5); c.3589+62_3589+71del (NM_000138.4).
Identifiers: ClinVar variation 36070 (VCV000036070.3), dbSNP rs72132658, ClinGen allele CA014303.
Genomic context (GRCh38, chr15:48,487,003, plus strand): 5'-TGAAAACAAAACTCAGAGTACATAGAGTGTTTTAGGGAGAGATGAAATAAAATAAAATAA[AATAACATAAC>A]ATAACATAACATAAAATAAAGTAAAATAAAATAAAATAAAATAAAATAAAAAAGAACTTA-3'

ClinVar aggregate classification (germline): Benign (1 of 4 stars; one submission).

Submission:

Women's Health and Genetics/Laboratory Corporation of America, LabCorp
Classification: Benign. Last evaluated: 2017-03-27. Review status: criteria provided, single submitter. Criteria: LabCorp Variant Classification Summary - May 2015. Collection method: clinical testing. Allele origin: germline.
Comment: Variant summary: The FBN1 c.3589+62_3589+71del variant involves the alteration of multiple non-conserved intronic nucleotides, which are not located in any well-known splicing site. One in silico tool predicts a benign outcome for this variant. 5/5 splice prediction tools predict no significant impact on normal splicing. This variant was found in 9/30506 control chromosomes at a frequency of 0.000295 (gnomAD), which is more than 2 times the estimated maximal expected allele frequency of a pathogenic FBN1 variant (0.0001125), suggesting this variant is likely a benign polymorphism. Taken together, this variant is classified as benign.